The following is an entry in ClinVar:

NM_000214.3(JAG1):c.1006+1G>A

Gene: JAG1 (jagged canonical Notch ligand 1; minus strand). Cytogenetic location: 20p12.2.
Variant type: single nucleotide variant.
Coding change: c.1006+1G>A on transcript NM_000214.3 (MANE Select); the canonical splice donor site of the intron after coding-DNA position 1006, G replaced by A.
Molecular consequence: splice donor variant.
Genome position (GRCh38, 1-based): chr20:10,652,130, C>T on the plus strand (G>A on the coding strand, the complement: JAG1 is on the minus strand). VCF-style: chr20-10652130-C-T. GRCh37 (hg19) VCF-style: chr20-10632778-C-T.
Identifiers: ClinVar variation 3380654 (VCV003380654.1).

ClinVar aggregate classification (germline): Uncertain significance (1 of 4 stars; one submission).

Submission:

Mayo Clinic Laboratories, Mayo Clinic
Classification: Uncertain significance. Last evaluated: 2024-04-01. Review status: criteria provided, single submitter. Criteria: ACMG Guidelines, 2015. Collection method: clinical testing. Allele origin: germline. Observed: 1 variant allele.
Comment: PM2, PVS1_moderate